The following is an entry in ClinVar:

ClinVar aggregate classification (germline): Uncertain significance. Review status: criteria provided, multiple submitters, no conflicts (2 of 4 stars). 2 submissions from 2 submitters: Uncertain significance (2). Last evaluated 2025-01-07.

Conditions:
Inborn genetic diseases. Identifiers: MedGen C0950123, MeSH D030342.

Submissions (2):

Ambry Genetics
Classification: Uncertain significance for Inborn genetic diseases. Last evaluated: 2025-01-07. Review status: criteria provided, single submitter. Criteria: Ambry Variant Classification Scheme 2023. Collection method: clinical testing. Allele origin: germline.

Labcorp Genetics (formerly Invitae), Labcorp
Classification: Uncertain significance. Last evaluated: 2024-04-13. Review status: criteria provided, single submitter. Criteria: Invitae Variant Classification Sherloc (09022015). Collection method: clinical testing. Allele origin: germline.
Comment: This sequence change replaces arginine, which is basic and polar, with histidine, which is basic and polar, at codon 227 of the TRAPPC9 protein (p.Arg227His). This variant is present in population databases (no rsID available, gnomAD 0.01%). This variant has not been reported in the literature in individuals affected with TRAPPC9-related conditions. An algorithm developed to predict the effect of missense changes on protein structure and function (PolyPhen-2) suggests that this variant is likely to be disruptive. In summary, the available evidence is currently insufficient to determine the role of this variant in disease. Therefore, it has been classified as a Variant of Uncertain Significance.

NM_001160372.4(TRAPPC9):c.386G>A (p.Arg129His)

Gene: TRAPPC9 (trafficking protein particle complex subunit 9; minus strand). Cytogenetic location: 8q24.3.
Variant type: single nucleotide variant.
Coding change: c.386G>A on transcript NM_001160372.4 (MANE Select); coding-DNA position 386, G replaced by A.
Protein change: p.Arg129His; replaces arginine 129 with histidine.
Molecular consequence: missense variant. On other transcripts: non-coding transcript variant (1).
Genome position (GRCh38, 1-based): chr8:140,450,988, C>T on the plus strand (G>A on the coding strand, the complement: TRAPPC9 is on the minus strand). VCF-style: chr8-140450988-C-T. GRCh37 (hg19) VCF-style: chr8-141461087-C-T.
Other names: c.680G>A (NM_031466.5); c.386G>A, p.Arg129His (NM_001321646.2, NM_001374682.1, NM_001374683.1 and 2 more transcripts); short protein forms R129H.
Identifiers: ClinVar variation 3633284 (VCV003633284.3).
Genomic context (GRCh38, chr8:140,450,988, plus strand): 5'-TCGATTCTCTTCTCCACCGTCTGGCAGTCCTCGTAGTTGGGGTAGAAAGCCACGTCGGTG[C>T]GCGGCTGCTCCACGATCTCCCCCTGCAGCCCGAAGACAAAGAGCCGGGAGTCATACAGTG-3'
Protein context (NP_001153844.1, residues 119-139): GLQGEIVEQP[Arg129His]TDVAFYPNYE